The following is an entry in ClinVar:

NM_138370.3(PKDCC):c.320C>G (p.Pro107Arg)

Gene: PKDCC (protein kinase domain containing, cytoplasmic; plus strand). Cytogenetic location: 2p21.
Variant type: single nucleotide variant.
Coding change: c.320C>G on transcript NM_138370.3 (MANE Select); coding-DNA position 320, C replaced by G.
Protein change: p.Pro107Arg; replaces proline 107 with arginine.
Molecular consequence: missense variant.
Genome position (GRCh38, 1-based): chr2:42,048,519, C>G. VCF-style: chr2-42048519-C-G. GRCh37 (hg19) VCF-style: chr2-42275659-C-G.
Other names: short protein forms P107R.
Identifiers: ClinVar variation 1898145 (VCV001898145.4), dbSNP rs1033026523, ClinGen allele CA46353966.
Genomic context (GRCh38, chr2:42,048,519, plus strand): 5'-TGATGGACCTGGCTCCGGGCGGGCCCGGCCTGCCGCGCCCCCGGCCCCCTTGGGCCCGGC[C>G]CCTGTCCGACGGCGCCCCAGGCTGGCCCCCGGCTCCCGGCCCAGGCTCCCCCGGCCCGGG-3'
Protein context (NP_612379.2, residues 97-117): LPRPRPPWAR[Pro107Arg]LSDGAPGWPP

ClinVar aggregate classification (germline): Uncertain significance. Review status: criteria provided, multiple submitters, no conflicts (2 of 4 stars). 2 submissions from 2 submitters: Uncertain significance (2). Last evaluated 2025-04-25.

Conditions:
Inborn genetic diseases. Identifiers: MedGen C0950123, MeSH D030342.

Allele frequency attached by ClinVar (database versions not stated): gnomAD 0.00015; gnomAD exomes 0.00005; 1000 Genomes Project 30x 0.00016; TOPMed 0.00014.
gnomAD v4.1: 72 of 1,187,292 alleles (0.0061%); highest among the groups gnomAD compares: African/African-American, 0.055%; no homozygotes.

Submissions (2):

Ambry Genetics
Classification: Uncertain significance for Inborn genetic diseases. Last evaluated: 2025-04-25. Review status: criteria provided, single submitter. Criteria: Ambry Variant Classification Scheme 2023. Collection method: clinical testing. Allele origin: germline.

Labcorp Genetics (formerly Invitae), Labcorp
Classification: Uncertain significance. Last evaluated: 2022-06-23. Review status: criteria provided, single submitter. Criteria: Invitae Variant Classification Sherloc (09022015). Collection method: clinical testing. Allele origin: germline.
Comment: This sequence change replaces proline, which is neutral and non-polar, with arginine, which is basic and polar, at codon 107 of the PKDCC protein (p.Pro107Arg). This variant is present in population databases (no rsID available, gnomAD 0.1%). This variant has not been reported in the literature in individuals affected with PKDCC-related conditions. Algorithms developed to predict the effect of missense changes on protein structure and function are either unavailable or do not agree on the potential impact of this missense change (SIFT: "Deleterious"; PolyPhen-2: "Benign"; Align-GVGD: "Class C0"). In summary, the available evidence is currently insufficient to determine the role of this variant in disease. Therefore, it has been classified as a Variant of Uncertain Significance.